The following is an entry in ClinVar:

NM_003611.3(OFD1):c.2694G>C (p.Gln898His)

Gene: OFD1 (OFD1 centriole and centriolar satellite protein; plus strand). Cytogenetic location: Xp22.2.
Variant type: single nucleotide variant.
Coding change: c.2694G>C on transcript NM_003611.3 (MANE Select); coding-DNA position 2694, G replaced by C.
Protein change: p.Gln898His; replaces glutamine 898 with histidine.
Molecular consequence: missense variant.
Genome position (GRCh38, 1-based): chrX:13,767,221, G>C. VCF-style: chrX-13767221-G-C. GRCh37 (hg19) VCF-style: chrX-13785340-G-C.
Other names: c.2574G>C, p.Gln858His (NM_001330209.2); c.2274G>C, p.Gln758His (NM_001330210.2); short protein forms Q858H, Q758H, Q898H.
Identifiers: ClinVar variation 1412945 (VCV001412945.8), dbSNP rs2048163178, ClinGen allele CA412311683.

ClinVar aggregate classification (germline): Uncertain significance (1 of 4 stars; one submission).

Conditions:
Joubert syndrome. Also called: CEREBELLOPARENCHYMAL DISORDER IV; JOUBERT-BOLTSHAUSER SYNDROME; Familial aplasia of the vermis. Identifiers: Orphanet 475, MedGen C5979921, MONDO:0018772.
Orofaciodigital syndrome I (OFD1). Also called: OFDS I; Papillon-Leage and Psaume Syndrome; Oral-Facial-Digital Syndrome Type I. Identifiers: Orphanet 2750, MedGen C1510460, MONDO:0010702, OMIM 311200.

Allele frequency attached by ClinVar (database versions not stated): gnomAD exomes below 0.00001; TOPMed below 0.00001.
gnomAD v4.1: 1 of 1,210,774 alleles (0.000083%); highest among the groups gnomAD compares: African/African-American, 0.0017%; no homozygotes.

Submission:

Labcorp Genetics (formerly Invitae), Labcorp
Classification: Uncertain significance for Orofaciodigital syndrome I; Joubert syndrome. Last evaluated: 2023-02-26. Review status: criteria provided, single submitter. Criteria: Invitae Variant Classification Sherloc (09022015). Collection method: clinical testing. Allele origin: germline.
Comment: In summary, the available evidence is currently insufficient to determine the role of this variant in disease. Therefore, it has been classified as a Variant of Uncertain Significance. Advanced modeling of protein sequence and biophysical properties (such as structural, functional, and spatial information, amino acid conservation, physicochemical variation, residue mobility, and thermodynamic stability) performed at Invitae indicates that this missense variant is not expected to disrupt OFD1 protein function. ClinVar contains an entry for this variant (Variation ID: 1412945). This variant has not been reported in the literature in individuals affected with OFD1-related conditions. This variant is not present in population databases (gnomAD no frequency). This sequence change replaces glutamine, which is neutral and polar, with histidine, which is basic and polar, at codon 898 of the OFD1 protein (p.Gln898His).